The following is an entry in ClinVar:

ClinVar aggregate classification (germline): Conflicting classifications of pathogenicity. Review status: criteria provided, conflicting classifications (1 of 4 stars). 2 submissions from 2 submitters: Pathogenic (1); Uncertain significance (1). Last evaluated 2026-02-02.

Conditions:
Hereditary cancer-predisposing syndrome. Also called: Neoplastic Syndromes, Hereditary; Hereditary Cancer Syndrome; Tumor predisposition; Hereditary neoplastic syndrome. Identifiers: Orphanet 140162, MedGen C0027672, MeSH D009386, MONDO:0015356.
Microcephaly, normal intelligence and immunodeficiency (NBS). Also called: Nijmegen breakage syndrome; Microcephaly with normal intelligence immunodeficiency and lymphoreticular malignancies; Nonsyndromal microcephaly autosomal recessive with normal intelligence; Seemanova syndrome 2; SEEMANOVA SYNDROME II; Immunodeficiency, microcephaly with normal intelligence. Identifiers: Orphanet 647, MedGen C0398791, MONDO:0009623, OMIM 251260.

gnomAD v4.1: 1 of 1,612,096 alleles (0.000062%); highest among the groups gnomAD compares: Non-Finnish European, 0.000085%; no homozygotes.

Submissions (2):

Labcorp Genetics (formerly Invitae), Labcorp
Classification: Pathogenic for Microcephaly, normal intelligence and immunodeficiency. Last evaluated: 2026-02-02. Review status: criteria provided, single submitter. Criteria: Invitae Variant Classification Sherloc (09022015). Collection method: clinical testing. Allele origin: germline.
Comment: This sequence change falls in intron 1 of the NBN gene. It does not directly change the encoded amino acid sequence of the NBN protein. RNA analysis indicates that this variant induces altered splicing and may result in an absent or altered protein product. This variant is not present in population databases (gnomAD no frequency). This variant has not been reported in the literature in individuals affected with NBN-related conditions. ClinVar contains an entry for this variant (Variation ID: 1692685). Studies have shown that this variant results in activation of a cryptic splice site, and produces a non-functional protein and/or introduces a premature termination codon (internal data). For these reasons, this variant has been classified as Pathogenic.

Sema4
Classification: Uncertain significance for Hereditary cancer-predisposing syndrome. Last evaluated: 2021-10-25. Review status: criteria provided, single submitter. Criteria: Sema4 Curation Guidelines. Collection method: curation. Allele origin: germline.
Comment: The NBN c.38-12A>G variant has not been reported in the literature to our knowledge. It was not observed in the large and broad cohorts of the Genome Aggregation Database. The variant has not been reported in ClinVar. In silico tools suggest that this variant may have an impact on splicing, though these predictions have not been confirmed by functional studies. The evidence is insufficient to meet ACMG/AMP criteria for classifying the variant as benign or pathogenic. Thus, the clinical significance of this variant is currently uncertain.

NM_002485.5(NBN):c.38-12A>G

Gene: NBN (nibrin; minus strand). Cytogenetic location: 8q21.3.
Variant type: single nucleotide variant.
Coding change: c.38-12A>G on transcript NM_002485.5 (MANE Select); 12 bases into the intron before coding-DNA position 38, A replaced by G.
Molecular consequence: intron variant.
Genome position (GRCh38, 1-based): chr8:89,982,867, T>C on the plus strand (A>G on the coding strand, the complement: NBN is on the minus strand). VCF-style: chr8-89982867-T-C. GRCh37 (hg19) VCF-style: chr8-90995095-T-C.
Other names: c.-259-12A>G (NM_001024688.3).
Identifiers: ClinVar variation 1692685 (VCV001692685.6), dbSNP rs773524364, ClinGen allele CA2573143429.